The following is an entry in ClinVar:

ClinVar aggregate classification (germline): Pathogenic/Likely pathogenic. Review status: criteria provided, single submitter (1 of 4 stars). 2 submissions from 1 submitter: Pathogenic (1); Likely pathogenic (1). Last evaluated 2023-01-01.

Conditions:
Macular dystrophy. Identifiers: MedGen C0730292, HP:0007754.
Leber congenital amaurosis 13 (LCA13). Identifiers: MedGen C2675186, MONDO:0012990, OMIM 612712.

Submissions (2):

DBGen Ocular Genomics
Classification: Pathogenic for Leber congenital amaurosis 13. Last evaluated: 2023-01-01. Review status: criteria provided, single submitter. Criteria: ACMG Guidelines, 2015. Collection method: clinical testing. Allele origin: unknown. Affected: yes.
Comment: Class 5 ACMG Guidelines, 2015 (PMID:25741868)

DBGen Ocular Genomics
Classification: Likely pathogenic for Macular dystrophy. Last evaluated: 2021-06-21. Review status: criteria provided, single submitter. Criteria: ACMG Guidelines, 2015. Collection method: clinical testing. Allele origin: germline. Affected: yes. Observed: 1 variant allele.

NM_152443.3(RDH12):c.616G>A (p.Ala206Thr)

Genes: GPHN (gephyrin; plus strand), RDH12 (retinol dehydrogenase 12; plus strand). Cytogenetic location: 14q24.1.
Variant type: single nucleotide variant.
Coding change: c.616G>A on transcript NM_152443.3 (MANE Select); coding-DNA position 616, G replaced by A.
Protein change: p.Ala206Thr; replaces alanine 206 with threonine.
Molecular consequence: missense variant.
Genome position (GRCh38, 1-based): chr14:67,727,148, G>A. VCF-style: chr14-67727148-G-A. GRCh37 (hg19) VCF-style: chr14-68193865-G-A.
Other names: short protein forms A206T.
Identifiers: ClinVar variation 1213889 (VCV001213889.3), dbSNP rs2140145599, ClinGen allele CA390151512.
Genomic context (GRCh38, chr14:67,727,148, plus strand): 5'-CACGACCTCCAGAGCGAGAAGCGCTACAGCAGGGGTTTTGCCTATTGCCACAGCAAGCTG[G>A]CCAATGTGCTTTTTACTCGTGAGCTGGCCAAGAGGCTCCAAGGTAAGTCTGGAGAAAGAG-3'
Protein context (NP_689656.2, residues 196-216): RGFAYCHSKL[Ala206Thr]NVLFTRELAK